The following is an entry in ClinVar:

NM_006009.4(TUBA1A):c.1144A>G (p.Thr382Ala)

Gene: TUBA1A (tubulin alpha 1a; minus strand). Cytogenetic location: 12q13.12.
Variant type: single nucleotide variant.
Coding change: c.1144A>G on transcript NM_006009.4 (MANE Select); coding-DNA position 1144, A replaced by G.
Protein change: p.Thr382Ala; replaces threonine 382 with alanine.
Molecular consequence: missense variant.
Genome position (GRCh38, 1-based): chr12:49,185,222, T>C on the plus strand (A>G on the coding strand, the complement: TUBA1A is on the minus strand). VCF-style: chr12-49185222-T-C. GRCh37 (hg19) VCF-style: chr12-49579005-T-C.
Other names: c.1144A>G, p.Thr382Ala (NM_001270399.2); c.1039A>G, p.Thr347Ala (NM_001270400.2); short protein forms T382A, T347A.
Identifiers: ClinVar variation 437121 (VCV000437121.7), dbSNP rs1555162294, ClinGen allele CA384635414.
Genomic context (GRCh38, chr12:49,185,222, plus strand): 5'-GTTTGGCATACATCAGGTCAAACTTGTGGTCCAGGCGAGCCCAGGCCTCAGCAATGGCTG[T>C]GGTGTTGCTCAGCATGCACACAGCTCTCTGTACCTTGGCCAGGTCTCCACCAGGCACCAC-3'
Protein context (NP_006000.2, residues 372-392): QRAVCMLSNT[Thr382Ala]AIAEAWARLD

ClinVar aggregate classification (germline): Likely pathogenic. Review status: criteria provided, multiple submitters, no conflicts (2 of 4 stars). 2 submissions from 2 submitters: Likely pathogenic (2). Last evaluated 2018-07-01.

Conditions:
Lissencephaly due to TUBA1A mutation (CDCBM16). Also called: CORTICAL DYSPLASIA, COMPLEX, WITH OTHER BRAIN MALFORMATIONS 16; Lissencephaly 3. Identifiers: Orphanet 171680, MedGen C4305153, MONDO:0012703, OMIM 611603.
Tubulinopathy. Also called: Tubulinopathies. Identifiers: MedGen CN850169, MONDO:0100153.

Submissions (2):

Institute of Human Genetics, FAU Erlangen, Friedrich-Alexander-Universität Erlangen-Nürnberg
Classification: Likely pathogenic for Tubulinopathies. Last evaluated: 2018-07-01. Review status: criteria provided, single submitter. Criteria: ACMG Guidelines, 2015. Collection method: literature only. Allele origin: germline. Affected: yes. Observed: 1 variant allele.
Comment: The c.1144A>G, p.(Thr382Ala) variant has been reported as a variant of germline/unknown origin.

Genetic Services Laboratory, University of Chicago
Classification: Likely pathogenic for Lissencephaly 3. Last evaluated: 2015-10-05. Review status: criteria provided, single submitter. Criteria: ACMG Guidelines, 2015. Collection method: clinical testing. Allele origin: germline. Affected: yes.

Literature cited by the submitters: PubMed 30744660 (cited by Institute of Human Genetics, FAU Erlangen, Friedrich-Alexander-Universität Erlangen-Nürnberg); DOI 10.1101/427948 (cited by Institute of Human Genetics, FAU Erlangen, Friedrich-Alexander-Universität Erlangen-Nürnberg).